The following is an entry in ClinVar:

ClinVar aggregate classification (germline): Likely pathogenic (1 of 4 stars; one submission).

Conditions:
Autosomal recessive polycystic kidney disease (ARPKD). Also called: AR polycystic kidney disease. Identifiers: Orphanet 731, Orphanet 8378, MedGen C0085548, MeSH D017044, MONDO:0009889.

Allele frequency attached by ClinVar (database versions not stated): gnomAD exomes below 0.00001; TOPMed below 0.00001; ExAC 0.00001; gnomAD 0.00001; ESP Exome Variant Server 0.00008.
gnomAD v4.1: 2 of 1,613,970 alleles (0.00012%); highest among the groups gnomAD compares: Non-Finnish European, 0.00017%; no homozygotes.

Submission:

Labcorp Genetics (formerly Invitae), Labcorp
Classification: Likely pathogenic for Autosomal recessive polycystic kidney disease. Last evaluated: 2022-05-27. Review status: criteria provided, single submitter. Criteria: Invitae Variant Classification Sherloc (09022015). Collection method: clinical testing. Allele origin: germline.
Comment: This sequence change replaces histidine, which is basic and polar, with arginine, which is basic and polar, at codon 3124 of the PKHD1 protein (p.His3124Arg). This variant disrupts the p.His3124 amino acid residue in PKHD1. Other variant(s) that disrupt this residue have been determined to be pathogenic (PMID: 15108281, 15698423, 31844813). This suggests that this residue is clinically significant, and that variants that disrupt this residue are likely to be disease-causing. In summary, the currently available evidence indicates that the variant is pathogenic, but additional data are needed to prove that conclusively. Therefore, this variant has been classified as Likely Pathogenic. Advanced modeling of protein sequence and biophysical properties (such as structural, functional, and spatial information, amino acid conservation, physicochemical variation, residue mobility, and thermodynamic stability) performed at Invitae indicates that this missense variant is expected to disrupt PKHD1 protein function. ClinVar contains an entry for this variant (Variation ID: 1067981). This variant has not been reported in the literature in individuals affected with PKHD1-related conditions. This variant is present in population databases (rs373241537, gnomAD 0.0009%).

Literature cited by the submitters: PubMed 15108281; PubMed 15698423; PubMed 31844813.

NM_138694.4(PKHD1):c.9371A>G (p.His3124Arg)

Gene: PKHD1 (PKHD1 ciliary IPT domain containing fibrocystin/polyductin; minus strand). Cytogenetic location: 6p12.3.
Variant type: single nucleotide variant.
Coding change: c.9371A>G on transcript NM_138694.4 (MANE Select); coding-DNA position 9371, A replaced by G.
Protein change: p.His3124Arg; replaces histidine 3124 with arginine.
Molecular consequence: missense variant.
Genome position (GRCh38, 1-based): chr6:51,748,245, T>C on the plus strand (A>G on the coding strand, the complement: PKHD1 is on the minus strand). VCF-style: chr6-51748245-T-C. GRCh37 (hg19) VCF-style: chr6-51613043-T-C.
Other names: c.9371A>G, p.His3124Arg (NM_170724.3); short protein forms H3124R.
Identifiers: ClinVar variation 1067981 (VCV001067981.9), dbSNP rs373241537, ClinGen allele CA3851397.